The following is an entry in ClinVar:

ClinVar aggregate classification (germline): Uncertain significance (1 of 4 stars; one submission).

Allele frequency attached by ClinVar (database versions not stated): gnomAD exomes 0.00002 and 0.00003; ExAC 0.00003; TOPMed 0.00004; gnomAD 0.00008 and 0.00009.
gnomAD v4.1: 38 of 1,613,806 alleles (0.0024%); highest among the groups gnomAD compares: African/African-American, 0.016%; no homozygotes.

Submission:

Labcorp Genetics (formerly Invitae), Labcorp
Classification: Uncertain significance. Last evaluated: 2022-07-18. Review status: criteria provided, single submitter. Criteria: Invitae Variant Classification Sherloc (09022015). Collection method: clinical testing. Allele origin: germline.
Comment: This sequence change replaces arginine, which is basic and polar, with cysteine, which is neutral and slightly polar, at codon 342 of the ACBD5 protein (p.Arg342Cys). The frequency data for this variant in the population databases is considered unreliable, as metrics indicate poor data quality at this position in the gnomAD database. This variant has not been reported in the literature in individuals affected with ACBD5-related conditions. ClinVar contains an entry for this variant (Variation ID: 961185). Algorithms developed to predict the effect of missense changes on protein structure and function output the following: SIFT: "Tolerated"; PolyPhen-2: "Benign"; Align-GVGD: "Class C0". The cysteine amino acid residue is found in multiple mammalian species, which suggests that this missense change does not adversely affect protein function. In summary, the available evidence is currently insufficient to determine the role of this variant in disease. Therefore, it has been classified as a Variant of Uncertain Significance.

NM_145698.5(ACBD5):c.1024C>T (p.Arg342Cys)

Gene: ACBD5 (acyl-CoA binding domain containing 5; minus strand). Cytogenetic location: 10p12.1.
Variant type: single nucleotide variant.
Coding change: c.1024C>T on transcript NM_145698.5 (MANE Select); coding-DNA position 1024, C replaced by T.
Protein change: p.Arg342Cys; replaces arginine 342 with cysteine.
Molecular consequence: missense variant.
Genome position (GRCh38, 1-based): chr10:27,210,994, G>A on the plus strand (C>T on the coding strand, the complement: ACBD5 is on the minus strand). VCF-style: chr10-27210994-G-A. GRCh37 (hg19) VCF-style: chr10-27499923-G-A.
Other names: c.919C>T, p.Arg307Cys (NM_001042473.4, NM_001352577.2, NM_001352578.2 and 1 more transcripts); c.1018C>T, p.Arg340Cys (NM_001271512.3); c.697C>T, p.Arg233Cys (NM_001301251.2, NM_001301252.2, NM_001301253.2 and 2 more transcripts); c.493C>T, p.Arg165Cys (NM_001301254.2); c.1078C>T, p.Arg360Cys (NM_001352568.1); c.1057C>T, p.Arg353Cys (NM_001352569.1); c.1024C>T, p.Arg342Cys (NM_001352570.1); c.1051C>T, p.Arg351Cys (NM_001352571.1); and 10 more; short protein forms R285C, R335C, R239C, R342C, R349C, R353C, R360C, R233C.
Identifiers: ClinVar variation 961185 (VCV000961185.7), dbSNP rs755306488, ClinGen allele CA5450767.